The following is an entry in ClinVar:

ClinVar aggregate classification (germline): Uncertain significance. Review status: criteria provided, multiple submitters, no conflicts (2 of 4 stars). 3 submissions from 3 submitters: Uncertain significance (3). Last evaluated 2025-05-22.

Conditions:
Autosomal dominant limb-girdle muscular dystrophy type 1G (LGMDD3). Also called: MUSCULAR DYSTROPHY, LIMB-GIRDLE, AUTOSOMAL DOMINANT 3; Limb-girdle muscular dystrophy, type 1G. Identifiers: Orphanet 55596, MedGen C1836765, MONDO:0012193, OMIM 609115.

Allele frequency attached by ClinVar (database versions not stated): gnomAD 0.00001.

Submissions (3):

Revvity Omics, Revvity
Classification: Uncertain significance for Autosomal dominant limb-girdle muscular dystrophy type 1G. Last evaluated: 2025-05-22. Review status: criteria provided, single submitter. Criteria: ACMG Guidelines, 2015. Collection method: clinical testing. Allele origin: germline.

Labcorp Genetics (formerly Invitae), Labcorp
Classification: Uncertain significance for Autosomal dominant limb-girdle muscular dystrophy type 1G. Last evaluated: 2025-03-31. Review status: criteria provided, single submitter. Criteria: Invitae Variant Classification Sherloc (09022015). Collection method: clinical testing. Allele origin: germline.
Comment: This sequence change replaces serine, which is neutral and polar, with alanine, which is neutral and non-polar, at codon 98 of the HNRNPDL protein (p.Ser98Ala). This variant is not present in population databases (gnomAD no frequency). This variant has not been reported in the literature in individuals affected with HNRNPDL-related conditions. ClinVar contains an entry for this variant (Variation ID: 1423029). An algorithm developed to predict the effect of missense changes on protein structure and function outputs the following: PolyPhen-2: "Benign". The alanine amino acid residue is found in multiple mammalian species, which suggests that this missense change does not adversely affect protein function. In summary, the available evidence is currently insufficient to determine the role of this variant in disease. Therefore, it has been classified as a Variant of Uncertain Significance.

Ambry Genetics
Classification: Uncertain significance. Last evaluated: 2023-12-28. Review status: criteria provided, single submitter. Criteria: Ambry Variant Classification Scheme 2023. Collection method: clinical testing. Allele origin: germline.

NM_031372.4(HNRNPDL):c.292T>G (p.Ser98Ala)

Gene: HNRNPDL (heterogeneous nuclear ribonucleoprotein D like; minus strand). Cytogenetic location: 4q21.22.
Variant type: single nucleotide variant.
Coding change: c.292T>G on transcript NM_031372.4 (MANE Select); coding-DNA position 292, T replaced by G.
Protein change: p.Ser98Ala; replaces serine 98 with alanine.
Molecular consequence: missense variant. On other transcripts: non-coding transcript variant (1).
Genome position (GRCh38, 1-based): chr4:82,429,399, A>C on the plus strand (T>G on the coding strand, the complement: HNRNPDL is on the minus strand). VCF-style: chr4-82429399-A-C. GRCh37 (hg19) VCF-style: chr4-83350552-A-C.
Other names: c.292T>G, p.Ser98Ala (NM_001207000.1); c.292T>G (NM_031372.3); short protein forms S98A.
Identifiers: ClinVar variation 1423029 (VCV001423029.10), dbSNP rs746297079, ClinGen allele CA357172648.